The following is an entry in ClinVar:

NM_004646.4(NPHS1):c.1715G>A (p.Ser572Asn)

Gene: NPHS1 (NPHS1 adhesion molecule, nephrin; minus strand). Cytogenetic location: 19q13.12.
Variant type: single nucleotide variant.
Coding change: c.1715G>A on transcript NM_004646.4 (MANE Select); coding-DNA position 1715, G replaced by A.
Protein change: p.Ser572Asn; replaces serine 572 with asparagine.
Molecular consequence: missense variant.
Genome position (GRCh38, 1-based): chr19:35,845,711, C>T on the plus strand (G>A on the coding strand, the complement: NPHS1 is on the minus strand). VCF-style: chr19-35845711-C-T. GRCh37 (hg19) VCF-style: chr19-36336613-C-T.
Other names: short protein forms S572N.
Identifiers: ClinVar variation 56447 (VCV000056447.16), dbSNP rs386833889, ClinGen allele CA250136.

ClinVar aggregate classification (germline): Pathogenic/Likely pathogenic. Review status: criteria provided, multiple submitters, no conflicts (2 of 4 stars). 5 submissions from 5 submitters: Pathogenic (2); Likely pathogenic (1). 2 of the submissions do not count toward it. Last evaluated 2023-02-01.

Conditions:
Finnish congenital nephrotic syndrome (NPHS1). Also called: NEPHROTIC SYNDROME, TYPE 1. Identifiers: Orphanet 839, MedGen C0403399, MONDO:0009732, OMIM 256300.

Allele frequency attached by ClinVar (database versions not stated): gnomAD 0.00001; ExAC 0.00001; gnomAD exomes 0.00001 and 0.00003.
gnomAD v4.1: 47 of 1,613,952 alleles (0.0029%); highest among the groups gnomAD compares: Non-Finnish European, 0.004%; no homozygotes.

Submissions (5):

Labcorp Genetics (formerly Invitae), Labcorp
Classification: Pathogenic. Last evaluated: 2023-02-01. Review status: criteria provided, single submitter. Criteria: Invitae Variant Classification Sherloc (09022015). Collection method: clinical testing. Allele origin: germline.
Comment: For these reasons, this variant has been classified as Pathogenic. This variant disrupts the p.Ser572 amino acid residue in NPHS1. Other variant(s) that disrupt this residue have been observed in individuals with NPHS1-related conditions (PMID: 18503012, 26248470), which suggests that this may be a clinically significant amino acid residue. Algorithms developed to predict the effect of missense changes on protein structure and function (SIFT, PolyPhen-2, Align-GVGD) all suggest that this variant is likely to be disruptive. ClinVar contains an entry for this variant (Variation ID: 56447). This missense change has been observed in individual(s) with congenital nephrotic syndrome (PMID: 15906409, 20172850, 29474669). In at least one individual the data is consistent with being in trans (on the opposite chromosome) from a pathogenic variant. This variant is present in population databases (rs386833889, gnomAD 0.002%). This sequence change replaces serine, which is neutral and polar, with asparagine, which is neutral and polar, at codon 572 of the NPHS1 protein (p.Ser572Asn).

Fulgent Genetics
Classification: Likely pathogenic for Finnish congenital nephrotic syndrome. Last evaluated: 2022-03-11. Review status: criteria provided, single submitter. Criteria: ACMG Guidelines, 2015. Collection method: clinical testing. Allele origin: unknown.

GeneDx
Classification: Pathogenic. Last evaluated: 2020-02-24. Review status: criteria provided, single submitter. Criteria: GeneDx Variant Classification Process June 2021. Collection method: clinical testing. Allele origin: germline. Affected: yes.
Comment: Not observed at a significant frequency in large population cohorts (Lek et al., 2016); In silico analysis supports that this missense variant has a deleterious effect on protein structure/function; This variant is associated with the following publications: (PMID: 15906409, 20172850, 27019444, 20507940)

Counsyl
Classification: Likely pathogenic for Finnish congenital nephrotic syndrome. Last evaluated: 2017-02-09. Review status: no assertion criteria provided. Collection method: clinical testing. Allele origin: unknown. Not counted in ClinVar's aggregate classification.

Juha Muilu Group; Institute for Molecular Medicine Finland (FIMM)
Classification: Likely pathogenic for Finnish congenital nephrotic syndrome. Review status: no assertion criteria provided. Collection method: not provided. Allele origin: unknown. Not counted in ClinVar's aggregate classification.
Comment: FinDis database variant: This variant was not found or characterized by our laboratory, data were collected from public sources: see reference
ClinVar note: Converted during submission from probable-pathogenic to Likely pathogenic.

Literature cited by the submitters: PubMed 18503012 (cited by Labcorp Genetics (formerly Invitae), Labcorp); PubMed 26248470 (cited by Labcorp Genetics (formerly Invitae), Labcorp); PubMed 15906409 (cited by Labcorp Genetics (formerly Invitae), Labcorp and Counsyl); PubMed 20172850 (cited by Labcorp Genetics (formerly Invitae), Labcorp and Counsyl); PubMed 29474669 (cited by Labcorp Genetics (formerly Invitae), Labcorp); PubMed 20507940 (cited by Counsyl).